The following is an entry in ClinVar:

NM_001346249.2(RALGAPA1):c.5264G>A (p.Cys1755Tyr)

Gene: RALGAPA1 (Ral GTPase activating protein catalytic subunit alpha 1; minus strand). Cytogenetic location: 14q13.2.
Variant type: single nucleotide variant.
Coding change: c.5264G>A on transcript NM_001346249.2 (MANE Select); coding-DNA position 5264, G replaced by A.
Protein change: p.Cys1755Tyr; replaces cysteine 1755 with tyrosine.
Molecular consequence: missense variant.
Genome position (GRCh38, 1-based): chr14:35,664,706, C>T on the plus strand (G>A on the coding strand, the complement: RALGAPA1 is on the minus strand). VCF-style: chr14-35664706-C-T. GRCh37 (hg19) VCF-style: chr14-36133912-C-T.
Other names: c.3785G>A, p.Cys1262Tyr (NM_001283043.3); c.3887G>A, p.Cys1296Tyr (NM_001283044.3, NM_001346245.2, NM_001346247.2); c.5123G>A, p.Cys1708Tyr (NM_001330075.3, NM_001346248.2); c.3746G>A, p.Cys1249Tyr (NM_001346243.2, NM_001346246.2, NM_014990.3 and 1 more transcripts); short protein forms C1249Y, C1262Y, C1296Y, C1708Y, C1755Y.
Identifiers: ClinVar variation 2579424 (VCV002579424.1), dbSNP rs2550151551, ClinGen allele CA389456557.

ClinVar aggregate classification (germline): Uncertain significance (1 of 4 stars; one submission).

Submission:

GeneDx
Classification: Uncertain significance. Last evaluated: 2023-03-09. Review status: criteria provided, single submitter. Criteria: GeneDx Variant Classification Process June 2021. Collection method: clinical testing. Allele origin: germline. Affected: yes.
Comment: Not observed at significant frequency in large population cohorts (gnomAD); In silico analysis supports that this missense variant does not alter protein structure/function; Has not been previously published as pathogenic or benign to our knowledge